The following is an entry in ClinVar:

NM_002470.4(MYH3):c.3008C>T (p.Ala1003Val)

Gene: MYH3 (myosin heavy chain 3; minus strand). Cytogenetic location: 17p13.1.
Variant type: single nucleotide variant.
Coding change: c.3008C>T on transcript NM_002470.4 (MANE Select); coding-DNA position 3008, C replaced by T.
Protein change: p.Ala1003Val; replaces alanine 1003 with valine.
Molecular consequence: missense variant.
Genome position (GRCh38, 1-based): chr17:10,639,392, G>A on the plus strand (C>T on the coding strand, the complement: MYH3 is on the minus strand). VCF-style: chr17-10639392-G-A. GRCh37 (hg19) VCF-style: chr17-10542709-G-A.
Other names: short protein forms A1003V.
Identifiers: ClinVar variation 129654 (VCV000129654.28), dbSNP rs34088014, ClinGen allele CA153785.

ClinVar aggregate classification (germline): Benign/Likely benign. Review status: criteria provided, multiple submitters, no conflicts (2 of 4 stars). 10 submissions from 9 submitters: Benign (5); Likely benign (2). 3 of the submissions do not count toward it. Last evaluated 2026-02-02.

Conditions:
Distal arthrogryposis type 2B1 (DA2B1). Also called: Arthrogryposis multiplex congenita distal type II with craniofacial abnormalities. Identifiers: Orphanet 1147, MedGen C5193014, MONDO:0020820, OMIM 601680.
Freeman-Sheldon syndrome (DA2A). Also called: CRANIOCARPOTARSAL DYSPLASIA; CRANIOCARPOTARSAL DYSTROPHY; Arthrogryposis, distal, type 2A (Freeman-Sheldon); WHISTLING FACE-WINDMILL VANE HAND SYNDROME. Identifiers: Orphanet 2053, MedGen C0265224, MONDO:0008675, OMIM 193700.

Allele frequency attached by ClinVar (database versions not stated): gnomAD exomes 0.01807 and 0.02027; ExAC 0.01933; TOPMed 0.02088; 1000 Genomes Project 0.02177; gnomAD 0.02195 and 0.02196; 1000 Genomes Project 30x 0.02202; ESP Exome Variant Server 0.02353.
gnomAD v4.1: 32,882 of 1,614,002 alleles (2%); highest among the groups gnomAD compares: African/African-American, 3%; 359 homozygotes.

Submissions (10):

Labcorp Genetics (formerly Invitae), Labcorp
Classification: Benign. Last evaluated: 2026-02-02. Review status: criteria provided, single submitter. Criteria: Invitae Variant Classification Sherloc (09022015). Collection method: clinical testing. Allele origin: germline.

ARUP Laboratories, Molecular Genetics and Genomics, ARUP Laboratories
Classification: Benign. Last evaluated: 2025-05-05. Review status: criteria provided, single submitter. Criteria: ARUP Molecular Germline Variant Investigation Process 2024. Collection method: clinical testing. Allele origin: germline.

GeneDx
Classification: Likely benign. Last evaluated: 2020-12-09. Review status: criteria provided, single submitter. Criteria: GeneDx Variant Classification Process June 2021. Collection method: clinical testing. Allele origin: germline. Affected: yes.

Illumina Laboratory Services, Illumina
Classification: Benign for Distal arthrogryposis type 2B1. Last evaluated: 2018-01-12. Review status: criteria provided, single submitter. Criteria: ICSL Variant Classification Criteria 13 December 2019. Collection method: clinical testing. Allele origin: germline.
Comment: This variant was observed in the ICSL laboratory as part of a predisposition screen in an ostensibly healthy population. It had not been previously curated by ICSL or reported in the Human Gene Mutation Database (HGMD: prior to June 1st, 2018), and was therefore a candidate for classification through an automated scoring system. Utilizing variant allele frequency, disease prevalence and penetrance estimates, and inheritance mode, an automated score was calculated to assess if this variant is too frequent to cause the disease. Based on the score and internal cut-off values, a variant classified as benign is not then subjected to further curation. The score for this variant resulted in a classification of benign for this disease.

Illumina Laboratory Services, Illumina
Classification: Benign for Freeman-Sheldon syndrome. Last evaluated: 2018-01-12. Review status: criteria provided, single submitter. Criteria: ICSL Variant Classification Criteria 13 December 2019. Collection method: clinical testing. Allele origin: germline.
Comment: the same text as in the submission from Illumina Laboratory Services, Illumina above.

Breakthrough Genomics
Classification: Likely benign. Review status: criteria provided, single submitter. Criteria: ACMG Guidelines, 2015. Collection method: not provided. Allele origin: germline. Inheritance: Autosomal recessive inheritance. Affected: yes.

PreventionGenetics, part of Exact Sciences
Classification: Benign. Review status: criteria provided, single submitter. Criteria: ACMG Guidelines, 2015. Collection method: clinical testing. Allele origin: germline.

Clinical Genetics, Academic Medical Center
Classification: Benign. Review status: no assertion criteria provided. Collection method: clinical testing. Allele origin: germline. Affected: yes. Study: VKGL Data-share Consensus. Not counted in ClinVar's aggregate classification.

Genetic Services Laboratory, University of Chicago
Classification: Likely benign for AllHighlyPenetrant. Review status: no assertion criteria provided. Collection method: clinical testing. Allele origin: germline. Inheritance: Autosomal dominant inheritance. Not counted in ClinVar's aggregate classification.
Comment: Likely benign based on allele frequency in 1000 Genomes Project or ESP global frequency and its presence in a patient with a rare or unrelated disease phenotype. NOT Sanger confirmed.

Laboratory of Diagnostic Genome Analysis, Leiden University Medical Center (LUMC)
Classification: Likely benign. Review status: no assertion criteria provided. Collection method: clinical testing. Allele origin: germline. Affected: yes. Study: VKGL Data-share Consensus. Not counted in ClinVar's aggregate classification.